The following is an entry in ClinVar:

ClinVar aggregate classification (germline): Uncertain significance (1 of 4 stars; one submission).

Submission:

GeneDx
Classification: Uncertain significance. Last evaluated: 2025-07-22. Review status: criteria provided, single submitter. Criteria: GeneDx Variant Classification Process June 2021. Collection method: clinical testing. Allele origin: germline. Affected: yes.
Comment: Not observed at significant frequency in large population cohorts (gnomAD); In silico analysis supports that this missense variant has a deleterious effect on protein structure/function; Has not been previously published as pathogenic or benign to our knowledge

NM_001277115.2(DNAH11):c.5548G>A (p.Asp1850Asn)

Gene: DNAH11 (dynein axonemal heavy chain 11; plus strand). Cytogenetic location: 7p15.3.
Variant type: single nucleotide variant.
Coding change: c.5548G>A on transcript NM_001277115.2 (MANE Select); coding-DNA position 5548, G replaced by A.
Protein change: p.Asp1850Asn; replaces aspartic acid 1850 with asparagine.
Molecular consequence: missense variant.
Genome position (GRCh38, 1-based): chr7:21,683,871, G>A. VCF-style: chr7-21683871-G-A. GRCh37 (hg19) VCF-style: chr7-21723489-G-A.
Other names: short protein forms D1850N.
Identifiers: ClinVar variation 4687033 (VCV004687033.1).